The following is an entry in ClinVar:

NM_003172.4(SURF1):c.532_535del (p.Asn178fs)

Gene: SURF1 (SURF1 cytochrome c oxidase assembly factor; minus strand). Cytogenetic location: 9q34.2.
Variant type: Deletion.
Coding change: c.532_535del on transcript NM_003172.4 (MANE Select); coding-DNA positions 532 to 535, 4 bases deleted (AATA; older notation c.532_535delAATA).
Protein change: p.Asn178fs; shifts the reading frame from asparagine 178.
Molecular consequence: frameshift variant.
Genome position (GRCh38, 1-based): chr9:133,352,747-133,352,750, TATT deleted on the plus strand (AATA on the coding strand, the reverse complement: SURF1 is on the minus strand); deleting any 4 consecutive bases within chr9:133,352,747-133,352,752 gives the same sequence; the c. name uses the placement nearest the transcript's 3' end. VCF-style (leftmost placement, unchanged base first): chr9-133352746-CTATT-C. GRCh37 (hg19) VCF-style: chr9-136219601-CTATT-C.
Other names: c.205_208del, p.Asn69fs (NM_001280787.1); c.532_535delAATA (NM_003172.2, NM_003172.3); short protein forms N69fs, N178fs.
Identifiers: ClinVar variation 372719 (VCV000372719.13), dbSNP rs1057517942, ClinGen allele CA16042768.

ClinVar aggregate classification (germline): Pathogenic. Review status: criteria provided, multiple submitters, no conflicts (2 of 4 stars). 6 submissions from 5 submitters: Pathogenic (6). Last evaluated 2024-01-12.

Conditions:
Charcot-Marie-Tooth disease type 4K. Also called: CHARCOT-MARIE-TOOTH DISEASE, DEMYELINATING, AUTOSOMAL RECESSIVE, TYPE 4K; CHARCOT-MARIE-TOOTH NEUROPATHY, DEMYELINATING, AUTOSOMAL RECESSIVE, TYPE 4K; CHARCOT-MARIE-TOOTH DISEASE, DEMYELINATING, TYPE 4K. Identifiers: Orphanet 391351, MedGen C4225246, MONDO:0014733, OMIM 616684.
Leigh syndrome (NULS). Also called: Leigh's syndrome; Leigh Disease; Subacute necrotizing encephalopathy; Necrotizing encephalopathy infantile subacute of Leigh; LEIGH SYNDROME, NUCLEAR; Leigh's necrotizing encephalopathy. Identifiers: Orphanet 506, MedGen C2931891, MONDO:0009723, OMIM 256000.
Mitochondrial complex IV deficiency, nuclear type 1 (MC4DN1). Also called: Mitochondrial complex IV deficiency; Complex 4 mitochondrial respiratory chain deficiency; Deficiency of mitochondrial respiratory chain complex4; Complex IV deficiency; COX DEFICIENCY. Identifiers: MedGen C5435656, MONDO:0700250, OMIM 220110. Disease mechanism: loss of function.

Submissions (6):

Labcorp Genetics (formerly Invitae), Labcorp
Classification: Pathogenic for Leigh syndrome. Last evaluated: 2024-01-12. Review status: criteria provided, single submitter. Criteria: Invitae Variant Classification Sherloc (09022015). Collection method: clinical testing. Allele origin: germline.
Comment: This sequence change creates a premature translational stop signal (p.Asn178Glufs*9) in the SURF1 gene. It is expected to result in an absent or disrupted protein product. Loss-of-function variants in SURF1 are known to be pathogenic (PMID: 10443880, 22488715, 24027061). This variant is not present in population databases (gnomAD no frequency). This premature translational stop signal has been observed in individual(s) with Leigh syndrome (PMID: 12026244, 24262866, 32445240). This variant is also known as 531_534delAAAT and c531-533del (4 bp deletion at position 4547). ClinVar contains an entry for this variant (Variation ID: 372719). For these reasons, this variant has been classified as Pathogenic.

Neuberg Centre For Genomic Medicine, NCGM
Classification: Pathogenic for Charcot-Marie-Tooth disease type 4K. Last evaluated: 2023-03-01. Review status: criteria provided, single submitter. Criteria: ACMG Guidelines, 2015. Collection method: clinical testing. Allele origin: germline. Inheritance: Autosomal recessive inheritance. Affected: yes.
Comment: The frameshift c.532_535del(p.Asn178GlufsTer9) variant in SURF1 gene has been observed in individual(s) with SURF1 gene related disorders (Sonam et. al., 2014; Bruno et. al., 2002). This variant is also known as 531_534delAAAT and c531-533del (4 bp deletion at position 4547). The p.Asn178GlufsTer9 variant is novel (not in any individuals) in gnomAD Exomes and 1000 Genomes. This variant has been reported to the ClinVar database as Pathogenic by multiple submitters. This variant causes a frameshift starting with codon Asparagine 178, changes this amino acid to Glutamic Acid residue, and creates a premature Stop codon at position 9 of the new reading frame, denoted p.Asn178GlufsTer9. It is expected to result in an absent or disrupted protein product. Loss-of-function variants in SURF1 are known to be pathogenic (Echaniz-Laguna A et. al., 2013). For these reasons, this variant has been classified as Pathogenic.

Women's Health and Genetics/Laboratory Corporation of America, LabCorp
Classification: Pathogenic for Leigh syndrome. Last evaluated: 2021-01-18. Review status: criteria provided, single submitter. Criteria: LabCorp Variant Classification Summary - May 2015. Collection method: clinical testing. Allele origin: germline.
Comment: Variant summary: SURF1 c.532_535delAATA (p.Asn178GlufsX9) results in a premature termination codon, predicted to cause a truncation of the encoded protein or absence of the protein due to nonsense mediated decay, which are commonly known mechanisms for disease. Truncations downstream of this position have been classified as pathogenic by our laboratory. The variant was absent in 248160 control chromosomes. c.532_535delAATA has been reported in the literature in individuals affected with Leigh Syndrome and complex IV/cytochrome c oxidase deficiency (example, Bruno_2002, Kothari_2014, Lim_2014, Li_2018). These data indicate that the variant is likely to be associated with disease. One clinical diagnostic laboratory has submitted clinical-significance assessments for this variant to ClinVar after 2014 without evidence for independent evaluation and classified the variant as pathogenic. Based on the evidence outlined above, the variant was classified as pathogenic.

GeneDx
Classification: Pathogenic. Last evaluated: 2019-10-23. Review status: criteria provided, single submitter. Criteria: GeneDx Variant Classification Process June 2021. Collection method: clinical testing. Allele origin: germline. Affected: yes.
Comment: Published in combination with other SURF1 variants in several individuals with symptoms of Leigh syndrome (Bruno et al., 2002; Sonam et al., 2014; Menezes et al., 2016); Not observed in large population cohorts (Lek et al., 2016); Frameshift variant predicted to result in protein truncation or nonsense mediated decay in a gene for which loss-of-function is a known mechanism of disease; This variant is associated with the following publications: (PMID: 26762927, 24262866, 24462369, 27475922, 12026244, 32445240)

Revvity Omics, Revvity
Classification: Pathogenic. Last evaluated: 2019-07-26. Review status: criteria provided, single submitter. Criteria: ACMG Guidelines, 2015. Collection method: clinical testing. Allele origin: germline.

Neuberg Centre For Genomic Medicine, NCGM
Classification: Pathogenic for Mitochondrial complex IV deficiency, nuclear type 1. Review status: criteria provided, single submitter. Criteria: ACMG Guidelines, 2015. Collection method: clinical testing. Allele origin: germline. Inheritance: Autosomal recessive inheritance. Affected: yes.
Comment: The frameshift c.532_535del(p.Asn178GlufsTer9) variant in the SURF1 gene has been reported previously in individual(s) AFFECTED with Leigh syndrome (Sonam et. al., 2014; Bruno et. al., 2002). This variant is also known as 531_534delAAAT and c531-533del (4 bp deletion at position 4547). The p.Asn178GlufsTer9 variant is absent in gnomAD Exomes. This variant has been reported to the ClinVar database as Pathogenic by multiple submitters. This variant causes a frameshift starting with codon Asparagine 178, changes this amino acid to Glutamic Acid residue, and creates a premature Stop codon at position 9 of the new reading frame. This variant is predicted to cause a loss of normal protein function through protein truncation. Loss of function variants has been previously reported to be disease-causing. For these reasons, this variant has been classified as Pathogenic.

Literature cited by the submitters: PubMed 10443880 (cited by Labcorp Genetics (formerly Invitae), Labcorp); PubMed 22488715 (cited by Labcorp Genetics (formerly Invitae), Labcorp); PubMed 24027061 (cited by Labcorp Genetics (formerly Invitae), Labcorp); PubMed 12026244 (cited by Labcorp Genetics (formerly Invitae), Labcorp and Women's Health and Genetics/Laboratory Corporation of America, LabCorp); PubMed 24262866 (cited by Labcorp Genetics (formerly Invitae), Labcorp and Women's Health and Genetics/Laboratory Corporation of America, LabCorp); PubMed 32445240 (cited by Labcorp Genetics (formerly Invitae), Labcorp); PubMed 24462369 (cited by Women's Health and Genetics/Laboratory Corporation of America, LabCorp); PubMed 29933018 (cited by Women's Health and Genetics/Laboratory Corporation of America, LabCorp).